The following is an entry in ClinVar:

ClinVar aggregate classification (germline): Uncertain significance (1 of 4 stars; one submission).

Allele frequency attached by ClinVar (database versions not stated): gnomAD exomes below 0.00001; TOPMed 0.00001.
gnomAD v4.1: 2 of 1,614,126 alleles (0.00012%); highest among the groups gnomAD compares: Non-Finnish European, 0.00017%; no homozygotes.

Submission:

Ambry Genetics
Classification: Uncertain significance. Last evaluated: 2024-10-12. Review status: criteria provided, single submitter. Criteria: Ambry Variant Classification Scheme 2023. Collection method: clinical testing. Allele origin: germline.
Comment: The p.I234T variant (also known as c.701T>C), located in coding exon 5 of the BUB3 gene, results from a T to C substitution at nucleotide position 701. The isoleucine at codon 234 is replaced by threonine, an amino acid with similar properties. This amino acid position is conserved. In addition, the in silico prediction for this alteration is inconclusive. Since supporting evidence is limited at this time, the clinical significance of this alteration remains unclear.

NM_004725.4(BUB3):c.701T>C (p.Ile234Thr)

Gene: BUB3 (BUB3 mitotic checkpoint protein; plus strand). Cytogenetic location: 10q26.13.
Variant type: single nucleotide variant.
Coding change: c.701T>C on transcript NM_004725.4 (MANE Select); coding-DNA position 701, T replaced by C.
Protein change: p.Ile234Thr; replaces isoleucine 234 with threonine.
Molecular consequence: missense variant.
Genome position (GRCh38, 1-based): chr10:123,162,360, T>C. VCF-style: chr10-123162360-T-C. GRCh37 (hg19) VCF-style: chr10-124921876-T-C.
Other names: c.701T>C, p.Ile234Thr (NM_001007793.3); short protein forms I234T.
Identifiers: ClinVar variation 1756721 (VCV001756721.3), dbSNP rs1844436400, ClinGen allele CA378626707.
Genomic context (GRCh38, chr10:123,162,360, plus strand): 5'-TACAGAAGAAGAAGTATGCCTTCAAATGTCACAGACTAAAAGAAAATAATATTGAGCAGA[T>C]TTACCCAGTCAATGCCATTTCTTTTCACAATATCCACAATACATTTGCCACAGGTAAAGT-3'
Protein context (NP_004716.1, residues 224-244): HRLKENNIEQ[Ile234Thr]YPVNAISFHN